The following is an entry in ClinVar:

ClinVar aggregate classification (germline): Uncertain significance (1 of 4 stars; one submission).

gnomAD v4.1: 14 of 1,613,878 alleles (0.00087%); highest among the groups gnomAD compares: Admixed American, 0.0083%; no homozygotes.

Submission:

Labcorp Genetics (formerly Invitae), Labcorp
Classification: Uncertain significance. Last evaluated: 2024-07-01. Review status: criteria provided, single submitter. Criteria: Invitae Variant Classification Sherloc (09022015). Collection method: clinical testing. Allele origin: germline.
Comment: This sequence change replaces glycine, which is neutral and non-polar, with arginine, which is basic and polar, at codon 380 of the SLC4A1 protein (p.Gly380Arg). This variant is present in population databases (no rsID available, gnomAD 0.005%). This variant has not been reported in the literature in individuals affected with SLC4A1-related conditions. Advanced modeling of protein sequence and biophysical properties (such as structural, functional, and spatial information, amino acid conservation, physicochemical variation, residue mobility, and thermodynamic stability) performed at Invitae indicates that this missense variant is expected to disrupt SLC4A1 protein function with a positive predictive value of 80%. In summary, the available evidence is currently insufficient to determine the role of this variant in disease. Therefore, it has been classified as a Variant of Uncertain Significance.

NM_000342.4(SLC4A1):c.1138G>A (p.Gly380Arg)

Gene: SLC4A1 (solute carrier family 4 member 1 (Diego blood group); minus strand). Cytogenetic location: 17q21.31.
Variant type: single nucleotide variant.
Coding change: c.1138G>A on transcript NM_000342.4 (MANE Select); coding-DNA position 1138, G replaced by A.
Protein change: p.Gly380Arg; replaces glycine 380 with arginine.
Molecular consequence: missense variant.
Genome position (GRCh38, 1-based): chr17:44,258,130, C>T on the plus strand (G>A on the coding strand, the complement: SLC4A1 is on the minus strand). VCF-style: chr17-44258130-C-T. GRCh37 (hg19) VCF-style: chr17-42335498-C-T.
Other names: short protein forms G380R.
Identifiers: ClinVar variation 3622131 (VCV003622131.2).